The following is an entry in ClinVar:

ClinVar aggregate classification (germline): Conflicting classifications of pathogenicity. Review status: criteria provided, conflicting classifications (1 of 4 stars). 3 submissions from 3 submitters: Pathogenic (2); Uncertain significance (1). Last evaluated 2024-03-29.

Conditions:
Charcot-Marie-Tooth disease axonal type 2P. Also called: CHARCOT-MARIE-TOOTH DISEASE, AXONAL, TYPE 2G; CMT 2G; CHARCOT-MARIE-TOOTH NEUROPATHY, TYPE 2P; Charcot-Marie-Tooth Neuropathy Type 2G. Identifiers: Orphanet 300319, Orphanet 99941, MedGen C3280797, MONDO:0013753, OMIM 614436.

Submissions (3):

Genomic Medicine Center of Excellence, King Faisal Specialist Hospital and Research Centre
Classification: Pathogenic for Charcot-Marie-Tooth disease axonal type 2P. Last evaluated: 2024-03-29. Review status: criteria provided, single submitter. Criteria: ACMG Guidelines, 2015. Collection method: clinical testing. Allele origin: germline.

Labcorp Genetics (formerly Invitae), Labcorp
Classification: Pathogenic for Charcot-Marie-Tooth disease axonal type 2P. Last evaluated: 2023-04-01. Review status: criteria provided, single submitter. Criteria: Invitae Variant Classification Sherloc (09022015). Collection method: clinical testing. Allele origin: germline.
Comment: For these reasons, this variant has been classified as Pathogenic. ClinVar contains an entry for this variant (Variation ID: 802506). This variant has not been reported in the literature in individuals affected with LRSAM1-related conditions. This variant is not present in population databases (gnomAD no frequency). This sequence change creates a premature translational stop signal (p.Asn346Argfs*10) in the LRSAM1 gene. It is expected to result in an absent or disrupted protein product. Loss-of-function variants in LRSAM1 are known to be pathogenic (PMID: 20865121, 33414056).

Mendelics
Classification: Uncertain significance for Charcot-Marie-Tooth disease axonal type 2P. Last evaluated: 2019-05-28. Review status: criteria provided, single submitter. Criteria: Mendelics Assertion Criteria 2017. Collection method: clinical testing. Allele origin: unknown.

Literature cited by the submitters: PubMed 20865121 (cited by Labcorp Genetics (formerly Invitae), Labcorp); PubMed 33414056 (cited by Labcorp Genetics (formerly Invitae), Labcorp).

NM_001005373.4(LRSAM1):c.1037_1040del (p.Asn346fs)

Gene: LRSAM1 (leucine rich repeat and sterile alpha motif containing 1; plus strand). Cytogenetic location: 9q33.3.
Variant type: Deletion.
Coding change: c.1037_1040del on transcript NM_001005373.4 (MANE Select); coding-DNA positions 1037 to 1040, 4 bases deleted (ATCA; older notation c.1037_1040delATCA).
Protein change: p.Asn346fs; shifts the reading frame from asparagine 346.
Molecular consequence: frameshift variant. On other transcripts: non-coding transcript variant (2).
Genome position (GRCh38, 1-based): chr9:127,479,972-127,479,975, ATCA deleted; deleting any 4 consecutive bases within chr9:127,479,970-127,479,975 gives the same sequence; the c. name uses the placement nearest the transcript's 3' end. VCF-style (leftmost placement, unchanged base first): chr9-127479969-ACAAT-A. GRCh37 (hg19) VCF-style: chr9-130242248-ACAAT-A.
Other names: c.1037_1040del, p.Asn346fs (NM_001005374.4, NM_001190723.3, NM_001384142.1 and 2 more transcripts); c.248_251del, p.Asn83fs (NM_001384144.1); c.1037_1040del (NM_001005374.3); short protein forms N346fs, N83fs.
Identifiers: ClinVar variation 802506 (VCV000802506.8), dbSNP rs1588121150, ClinGen allele CA915947165.